The following is an entry in ClinVar:

ClinVar aggregate classification (germline): Uncertain significance. Review status: criteria provided, multiple submitters, no conflicts (2 of 4 stars). 6 submissions from 6 submitters: Uncertain significance (6). Last evaluated 2026-02-02.

Conditions:
Inborn genetic diseases. Identifiers: MedGen C0950123, MeSH D030342.
Combined immunodeficiency due to DOCK8 deficiency (HIES2). Also called: HIES autosomal recessive; Hyper-IgE recurrent infection syndrome, autosomal recessive; HYPER-IgE RECURRENT INFECTION SYNDROME 2, AUTOSOMAL RECESSIVE; DOCK8 Deficiency; HYPER-IgE SYNDROME 2, AUTOSOMAL RECESSIVE, WITH RECURRENT INFECTIONS. Identifiers: Orphanet 217390, MedGen C4722305, MONDO:0009478, OMIM 243700.
DOCK8-related disorder. Also called: DOCK8-related condition.

Allele frequency attached by ClinVar (database versions not stated): TOPMed 0.00027; ESP Exome Variant Server 0.00031.
gnomAD v4.1: 303 of 1,614,076 alleles (0.019%); highest among the groups gnomAD compares: African/African-American, 0.02%; no homozygotes.

Submissions (6):

Labcorp Genetics (formerly Invitae), Labcorp
Classification: Uncertain significance for Combined immunodeficiency due to DOCK8 deficiency. Last evaluated: 2026-02-02. Review status: criteria provided, single submitter. Criteria: Invitae Variant Classification Sherloc (09022015). Collection method: clinical testing. Allele origin: germline.
Comment: This sequence change replaces asparagine, which is neutral and polar, with serine, which is neutral and polar, at codon 1428 of the DOCK8 protein (p.Asn1428Ser). This variant is present in population databases (rs150057289, gnomAD 0.1%). This missense change has been observed in individual(s) with autosomal recessive DOCK8 deficiency (internal data). ClinVar contains an entry for this variant (Variation ID: 860131). Invitae Evidence Modeling of protein sequence and biophysical properties (such as structural, functional, and spatial information, amino acid conservation, physicochemical variation, residue mobility, and thermodynamic stability) indicates that this missense variant is not expected to disrupt DOCK8 protein function with a negative predictive value of 80%. In summary, the available evidence is currently insufficient to determine the role of this variant in disease. Therefore, it has been classified as a Variant of Uncertain Significance.

PreventionGenetics, part of Exact Sciences
Classification: Uncertain significance for DOCK8-related condition. Last evaluated: 2025-03-21. Review status: criteria provided, single submitter. Criteria: ACMG Guidelines, 2015. Collection method: clinical testing. Allele origin: germline.
Comment: The DOCK8 c.4283A>G variant is predicted to result in the amino acid substitution p.Asn1428Ser. To our knowledge, this variant has not been reported in the literature. One submitter to ClinVar has observed this variant in an individual with autosomal recessive DOCK8 deficiency. This variant is reported in 0.13% of alleles in individuals of Ashkenazi Jewish descent in gnomAD. Although we suspect that this variant may be benign, at this time, the clinical significance of this variant is uncertain due to the absence of conclusive functional and genetic evidence.

Blueprint Genetics
Classification: Uncertain significance. Last evaluated: 2024-11-22. Review status: criteria provided, single submitter. Criteria: ACMG Guidelines, 2015. Collection method: clinical testing. Allele origin: germline.

GeneDx
Classification: Uncertain significance. Last evaluated: 2023-10-25. Review status: criteria provided, single submitter. Criteria: GeneDx Variant Classification Process June 2021. Collection method: clinical testing. Allele origin: germline. Affected: yes.
Comment: In silico analysis, which includes protein predictors and evolutionary conservation, supports a deleterious effect; Has not been previously published as pathogenic or benign to our knowledge

Ambry Genetics
Classification: Uncertain significance for Inborn genetic diseases. Last evaluated: 2021-08-02. Review status: criteria provided, single submitter. Criteria: Ambry Variant Classification Scheme 2023. Collection method: clinical testing. Allele origin: germline.

Illumina Laboratory Services, Illumina
Classification: Uncertain significance for Combined immunodeficiency due to DOCK8 deficiency. Last evaluated: 2018-01-13. Review status: criteria provided, single submitter. Criteria: ICSL Variant Classification Criteria 13 December 2019. Collection method: clinical testing. Allele origin: germline.

NM_203447.4(DOCK8):c.4283A>G (p.Asn1428Ser)

Gene: DOCK8 (dedicator of cytokinesis 8; plus strand). Cytogenetic location: 9p24.3.
Variant type: single nucleotide variant.
Coding change: c.4283A>G on transcript NM_203447.4 (MANE Select); coding-DNA position 4283, A replaced by G.
Protein change: p.Asn1428Ser; replaces asparagine 1428 with serine.
Molecular consequence: missense variant.
Genome position (GRCh38, 1-based): chr9:426,926, A>G. VCF-style: chr9-426926-A-G. GRCh37 (hg19) VCF-style: chr9-426926-A-G.
Other names: c.3983A>G, p.Asn1328Ser (NM_001190458.2); c.4079A>G, p.Asn1360Ser (NM_001193536.2); short protein forms N1428S, N1328S, N1360S.
Identifiers: ClinVar variation 860131 (VCV000860131.18), dbSNP rs150057289, ClinGen allele CA4959026.